The following is an entry in ClinVar:

ClinVar aggregate classification (germline): Likely pathogenic. Review status: criteria provided, multiple submitters, no conflicts (2 of 4 stars). 4 submissions from 4 submitters: Likely pathogenic (3). 1 of the submissions does not count toward it. Last evaluated 2025-10-06.

Conditions:
Hereditary cancer-predisposing syndrome. Also called: Tumor predisposition; Hereditary neoplastic syndrome; Neoplastic Syndromes, Hereditary; Hereditary Cancer Syndrome. Identifiers: Orphanet 140162, MedGen C0027672, MeSH D009386, MONDO:0015356.
Carney complex, type 1 (CNC1). Also called: CARNEY MYXOMA-ENDOCRINE COMPLEX; CARNEY COMPLEX, TYPE I. Identifiers: Orphanet 1359, MedGen C2607929, MONDO:0008057, OMIM 160980.

Submissions (4):

GeneDx
Classification: Likely pathogenic. Last evaluated: 2025-10-06. Review status: criteria provided, single submitter. Criteria: GeneDx Variant Classification Process June 2021. Collection method: clinical testing. Allele origin: germline. Affected: yes.
Comment: Not observed at significant frequency in large population cohorts (gnomAD); Functional studies are inconclusive: only wildtype mRNA detected in tumor cells possibly due to elimination of mutant RNAs, decreased activated PKA in tumor cells (PMID: 10973256); In silico analysis suggests this variant may impact gene splicing. In the absence of RNA/functional studies, the actual effect of this sequence change is unknown.; This variant is associated with the following publications: (PMID: 31589614, 10973256, 20358582, 24512486, 18419788, 21047926, 16569736, 21900385)

Ambry Genetics
Classification: Likely pathogenic for Hereditary cancer-predisposing syndrome. Last evaluated: 2024-06-20. Review status: criteria provided, single submitter. Criteria: Ambry Variant Classification Scheme 2023. Collection method: clinical testing. Allele origin: germline.
Comment: The c.891+3A>G intronic variant results from an A to G substitution 3 nucleotides after coding exon 8 in the PRKAR1A gene. 2011 Nov;96 (11):1888&ndash;95). In another report, CNC tumors from a patient with this variant showed protein kinase A activity increased in response to cAMP compared with non-CNC tumors and that increase was blocked by protein kinase inhibitor (Kirschner L et al. Nature Genetics 26, 89&ndash;92 (2000)). This nucleotide position is not well conserved in available vertebrate species. In silico splice site analysis predicts that this alteration will result in the creation or strengthening of a novel splice donor site; however, direct evidence is insufficient at this time (Ambry internal data). Loss-of-function variants subject to nonsense mediated decay (NMD) in PRKAR1A are known to cause Carney complex; however, such associations with acrodysostosis have not been reported (Michot. et al. Eur J Hum Genet 26, 1611&ndash;1622 (2018)); Bertherat J et al. J Clin Endocrinol Metab. 2009 Jun;94(6):2085-91; Jafari N et al. Proc Natl Acad Sci U S A. 2021 May 25;118(21):e2024716118). Based on the supporting evidence, this alteration is likely pathogenic for Carney complex; however, the association of this alteration with acrodysostosis is unlikely.

Labcorp Genetics (formerly Invitae), Labcorp
Classification: Likely pathogenic for Carney complex, type 1. Last evaluated: 2024-01-18. Review status: criteria provided, single submitter. Criteria: Invitae Variant Classification Sherloc (09022015). Collection method: clinical testing. Allele origin: germline.
Comment: This sequence change falls in intron 9 of the PRKAR1A gene. It does not directly change the encoded amino acid sequence of the PRKAR1A protein. It affects a nucleotide within the consensus splice site. This variant is not present in population databases (gnomAD no frequency). This variant has been observed in individuals with Carney complex (PMID: 10973256, 21900385; Invitae). ClinVar contains an entry for this variant (Variation ID: 12664). Studies have shown that this variant alters PRKAR1A gene expression (PMID: 21900385). Variants that disrupt the consensus splice site are a relatively common cause of aberrant splicing (PMID: 17576681, 9536098). Algorithms developed to predict the effect of sequence changes on RNA splicing suggest that this variant may disrupt the consensus splice site. In summary, the currently available evidence indicates that the variant is pathogenic, but additional data are needed to prove that conclusively. Therefore, this variant has been classified as Likely Pathogenic.

OMIM
Classification: Pathogenic for CARNEY COMPLEX, TYPE 1. Last evaluated: 2000-09-01. Review status: no assertion criteria provided. Collection method: literature only. Allele origin: germline. Not counted in ClinVar's aggregate classification.

Literature cited by the submitters: PubMed 10973256 (cited by 3 submitters); PubMed 21900385 (cited by Ambry Genetics and Labcorp Genetics (formerly Invitae), Labcorp); PubMed 17576681 (cited by Labcorp Genetics (formerly Invitae), Labcorp); PubMed 9536098 (cited by Labcorp Genetics (formerly Invitae), Labcorp).

NM_002734.5(PRKAR1A):c.891+3A>G

Gene: PRKAR1A (protein kinase cAMP-dependent type I regulatory subunit alpha; plus strand). Cytogenetic location: 17q24.2.
Variant type: single nucleotide variant.
Coding change: c.891+3A>G on transcript NM_002734.5 (MANE Select); 3 bases into the intron after coding-DNA position 891, A replaced by G.
Molecular consequence: intron variant.
Genome position (GRCh38, 1-based): chr17:68,528,994, A>G. VCF-style: chr17-68528994-A-G. GRCh37 (hg19) VCF-style: chr17-66525135-A-G.
Other names: IVS8DS, A-G, +3; c.891+3A>G (NM_001278433.2, NM_001369389.1, NM_212471.3 and 5 more transcripts).
Identifiers: ClinVar variation 12664 (VCV000012664.17), dbSNP rs281864799, ClinGen allele CA341225.